The following is an entry in ClinVar:

Conditions:
Long QT syndrome 5 (LQT5). Identifiers: Orphanet 101016, Orphanet 768, MedGen C1867904, MONDO:0013372, OMIM 613695.

Submission:

Roden Lab, Vanderbilt University Medical Center
No classification provided (evidence only). Condition: Long QT syndrome 5. Review status: no classification provided. Collection method: in vitro. Allele origin: not applicable. Functional consequence: Effect on ion channel function.
ClinVar note: "not provided" was previously submitted as the classification for the variant. However, the classification appeared to be based only on an observation of functional data so it was converted to no classification on 2025-07-30.

NM_000219.6(KCNE1):c.300G>T (p.Leu100=)

Gene: KCNE1 (potassium voltage-gated channel subfamily E regulatory subunit 1; minus strand). Cytogenetic location: 21q22.12.
Variant type: single nucleotide variant.
Coding change: c.300G>T on transcript NM_000219.6 (MANE Select); coding-DNA position 300, G replaced by T.
Protein change: p.Leu100=; no amino-acid change (leucine 100 retained).
Molecular consequence: synonymous variant.
Genome position (GRCh38, 1-based): chr21:34,449,335, C>A on the plus strand (G>T on the coding strand, the complement: KCNE1 is on the minus strand). VCF-style: chr21-34449335-C-A. GRCh37 (hg19) VCF-style: chr21-35821633-C-A.
Other names: c.300G>T, p.Leu100= (NM_001127668.4, NM_001127669.4, NM_001127670.4 and 4 more transcripts).
Identifiers: ClinVar variation 3374573 (VCV003374573.2).